The following is an entry in ClinVar:

ClinVar aggregate classification (germline): Uncertain significance (1 of 4 stars; one submission).

Submission:

Women's Health and Genetics/Laboratory Corporation of America, LabCorp
Classification: Uncertain significance. Last evaluated: 2026-05-15. Review status: criteria provided, single submitter. Criteria: LabCorp Variant Classification Summary - May 2015. Collection method: clinical testing. Allele origin: germline.
Comment: Variant summary: SATB2 c.1232T>C (p.Leu411Pro) results in a non-conservative amino acid change in the encoded protein sequence. Algorithms developed to predict the effect of missense changes on protein structure and function are either unavailable or do not agree on the potential impact of this missense change. The variant was absent in 250776 control chromosomes. To our knowledge, no experimental evidence demonstrating an impact on protein function has been reported. No submitters have cited clinical-significance assessments for this variant to ClinVar. Based on the evidence outlined above, the variant was classified as uncertain significance.

NM_001172509.2(SATB2):c.1232T>C (p.Leu411Pro)

Gene: SATB2 (SATB homeobox 2; minus strand). Cytogenetic location: 2q33.1.
Variant type: single nucleotide variant.
Coding change: c.1232T>C on transcript NM_001172509.2 (MANE Select); coding-DNA position 1232, T replaced by C.
Protein change: p.Leu411Pro; replaces leucine 411 with proline.
Molecular consequence: missense variant.
Genome position (GRCh38, 1-based): chr2:199,328,852, A>G on the plus strand (T>C on the coding strand, the complement: SATB2 is on the minus strand). VCF-style: chr2-199328852-A-G. GRCh37 (hg19) VCF-style: chr2-200193575-A-G.
Other names: c.1232T>C, p.Leu411Pro (NM_001172517.1, NM_015265.4); short protein forms L411P.
Identifiers: ClinVar variation 4853034 (VCV004853034.1).